The following is an entry in ClinVar:

ClinVar aggregate classification (germline): Pathogenic (1 of 4 stars; one submission).

Conditions:
Spastic paraplegia. Identifiers: MedGen C0037772, HP:0001258.

Submission:

Labcorp Genetics (formerly Invitae), Labcorp
Classification: Pathogenic for Spastic paraplegia. Last evaluated: 2023-12-21. Review status: criteria provided, single submitter. Criteria: Invitae Variant Classification Sherloc (09022015). Collection method: clinical testing. Allele origin: germline.
Comment: This sequence change creates a premature translational stop signal (p.Phe3682Serfs*6) in the SACS gene. While this is not anticipated to result in nonsense mediated decay, it is expected to disrupt the last 898 amino acid(s) of the SACS protein. This variant is not present in population databases (gnomAD no frequency). This variant has not been reported in the literature in individuals affected with SACS-related conditions. This variant disrupts a region of the SACS protein in which other variant(s) (p.Asn4549Asp) have been determined to be pathogenic (PMID: 15156359, 21507954). This suggests that this is a clinically significant region of the protein, and that variants that disrupt it are likely to be disease-causing. For these reasons, this variant has been classified as Pathogenic.

Literature cited by the submitters: PubMed 15156359; PubMed 21507954.

NM_014363.6(SACS):c.11045del (p.Phe3682fs)

Gene: SACS (sacsin molecular chaperone; minus strand). Cytogenetic location: 13q12.12.
Variant type: Deletion.
Coding change: c.11045del on transcript NM_014363.6 (MANE Select); coding-DNA position 11045, one base deleted (T; older notation c.11045delT).
Protein change: p.Phe3682fs; shifts the reading frame from phenylalanine 3682.
Molecular consequence: frameshift variant.
Genome position (GRCh38, 1-based): chr13:23,332,831, A deleted on the plus strand (T on the coding strand, the reverse complement: SACS is on the minus strand); the first of 2 consecutive A bases (chr13:23,332,831-23,332,832); deleting either gives the same sequence. VCF-style (leftmost placement, unchanged base first): chr13-23332830-GA-G. GRCh37 (hg19) VCF-style: chr13-23906969-GA-G.
Other names: c.10604del, p.Phe3535fs (NM_001278055.2); short protein forms F3682fs, F3535fs.
Identifiers: ClinVar variation 2883680 (VCV002883680.3), dbSNP rs2542175907, ClinGen allele CA2622328915.
Genomic context (GRCh38, chr13:23,332,830, plus strand): 5'-TGTCCATAACAGCTGGAGTACATCACATTGCTTGAATTTTGGATTTACCTGTGCTCCATT[GA>G]ACTTTATAAGAGGAAGTGTTCCATTTACCTCTTGATATTGAGGATGAAATCTAATGAATT-3'